The following is an entry in ClinVar:

NM_001035.3(RYR2):c.9992C>A (p.Ala3331Asp)

Gene: RYR2 (ryanodine receptor 2; plus strand). Cytogenetic location: 1q43.
Variant type: single nucleotide variant.
Coding change: c.9992C>A on transcript NM_001035.3 (MANE Select); coding-DNA position 9992, C replaced by A.
Protein change: p.Ala3331Asp; replaces alanine 3331 with aspartic acid.
Molecular consequence: missense variant.
Genome position (GRCh38, 1-based): chr1:237,708,948, C>A. VCF-style: chr1-237708948-C-A. GRCh37 (hg19) VCF-style: chr1-237872248-C-A.
Other names: short protein forms A3331D.
Identifiers: ClinVar variation 2824452 (VCV002824452.3), dbSNP rs1379560862, ClinGen allele CA345410548.

ClinVar aggregate classification (germline): Uncertain significance (1 of 4 stars; one submission).

Conditions:
Catecholaminergic polymorphic ventricular tachycardia 1. Also called: VENTRICULAR TACHYCARDIA, STRESS-INDUCED POLYMORPHIC 1; VENTRICULAR TACHYCARDIA, CATECHOLAMINERGIC POLYMORPHIC, 1, WITH OR WITHOUT ATRIAL DYSFUNCTION AND/OR DILATED CARDIOMYOPATHY; RYR2-Related Catecholaminergic Polymorphic Ventricular Tachycardia. Identifiers: Orphanet 3286, MedGen C1631597, MONDO:0011484, OMIM 604772.

Submission:

Labcorp Genetics (formerly Invitae), Labcorp
Classification: Uncertain significance for Catecholaminergic polymorphic ventricular tachycardia 1. Last evaluated: 2022-12-27. Review status: criteria provided, single submitter. Criteria: Invitae Variant Classification Sherloc (09022015). Collection method: clinical testing. Allele origin: germline.
Comment: In summary, the available evidence is currently insufficient to determine the role of this variant in disease. Therefore, it has been classified as a Variant of Uncertain Significance. Advanced modeling of protein sequence and biophysical properties (such as structural, functional, and spatial information, amino acid conservation, physicochemical variation, residue mobility, and thermodynamic stability) performed at Invitae indicates that this missense variant is not expected to disrupt RYR2 protein function. This variant has not been reported in the literature in individuals affected with RYR2-related conditions. This variant is not present in population databases (gnomAD no frequency). This sequence change replaces alanine, which is neutral and non-polar, with aspartic acid, which is acidic and polar, at codon 3331 of the RYR2 protein (p.Ala3331Asp).